The following is an entry in ClinVar:

NM_181507.2(HPS5):c.335C>T (p.Pro112Leu)

Genes: HPS5 (HPS5 biogenesis of lysosomal organelles complex 2 subunit 2; minus strand), LOC130005404 (ATAC-STARR-seq lymphoblastoid active region 4495; plus strand). Cytogenetic location: 11p15.1.
Variant type: single nucleotide variant.
Coding change: c.335C>T on transcript NM_181507.2 (MANE Select); coding-DNA position 335, C replaced by T.
Protein change: p.Pro112Leu; replaces proline 112 with leucine.
Molecular consequence: missense variant. On other transcripts: 5 prime UTR variant (1).
Genome position (GRCh38, 1-based): chr11:18,310,883, G>A on the plus strand (C>T on the coding strand, the complement: HPS5 is on the minus strand). VCF-style: chr11-18310883-G-A. GRCh37 (hg19) VCF-style: chr11-18332430-G-A.
Other names: c.-8C>T (NM_007216.4, NM_181508.2); short protein forms P112L.
Identifiers: ClinVar variation 1377612 (VCV001377612.5), dbSNP rs1174711093, ClinGen allele CA379506374.
Genomic context (GRCh38, chr11:18,310,883, plus strand): 5'-TCCCAGCAGAGAGCTGTGACTCTTCGGCCTTTGTGTTCTGAAGACACATACATTTGTTCC[G>A]GTTTCCCACGACGCTCTTGATTTAATTCCCAAACAACCACAAGACCTTGACTGCAAGAAT-3'
Protein context (NP_852608.1, residues 102-122): WELNQERRGK[Pro112Leu]EQMYVSSEHK

ClinVar aggregate classification (germline): Uncertain significance. Review status: criteria provided, multiple submitters, no conflicts (2 of 4 stars). 2 submissions from 2 submitters: Uncertain significance (2). Last evaluated 2026-01-20.

Allele frequency attached by ClinVar (database versions not stated): gnomAD exomes 0.00001; gnomAD 0.00002; TOPMed 0.00002.
gnomAD v4.1: 8 of 1,609,984 alleles (0.0005%); highest among the groups gnomAD compares: Admixed American, 0.0034%; no homozygotes.

Submissions (2):

Women's Health and Genetics/Laboratory Corporation of America, LabCorp
Classification: Uncertain significance. Last evaluated: 2026-01-20. Review status: criteria provided, single submitter. Criteria: LabCorp Variant Classification Summary - May 2015. Collection method: clinical testing. Allele origin: germline.
Comment: Variant summary: HPS5 c.335C>T (p.Pro112Leu) results in a non-conservative amino acid change in the encoded protein sequence. Algorithms developed to predict the effect of missense changes on protein structure and function are either unavailable or do not agree on the potential impact of this missense change. The variant allele was found at a frequency of 8e-06 in 251060 control chromosomes. The available data on variant occurrences in the general population are insufficient to allow any conclusion about variant significance. To our knowledge, no occurrence of c.335C>T in individuals affected with HPS5-related conditions and no experimental evidence demonstrating its impact on protein function have been reported. ClinVar contains an entry for this variant (Variation ID: 1377612). Based on the evidence outlined above, the variant was classified as uncertain significance.

Labcorp Genetics (formerly Invitae), Labcorp
Classification: Uncertain significance. Last evaluated: 2021-08-26. Review status: criteria provided, single submitter. Criteria: Invitae Variant Classification Sherloc (09022015). Collection method: clinical testing. Allele origin: germline.
Comment: This sequence change replaces proline with leucine at codon 112 of the HPS5 protein (p.Pro112Leu). The proline residue is highly conserved and there is a moderate physicochemical difference between proline and leucine. This variant is not present in population databases (ExAC no frequency). This variant has not been reported in the literature in individuals affected with HPS5-related conditions. Algorithms developed to predict the effect of missense changes on protein structure and function are either unavailable or do not agree on the potential impact of this missense change (SIFT: "Deleterious"; PolyPhen-2: "Probably Damaging"; Align-GVGD: "Class C0"). In summary, the available evidence is currently insufficient to determine the role of this variant in disease. Therefore, it has been classified as a Variant of Uncertain Significance.